The following is an entry in ClinVar:

NM_020433.5(JPH2):c.76C>T (p.His26Tyr)

Gene: JPH2 (junctophilin 2; minus strand). Cytogenetic location: 20q13.12.
Variant type: single nucleotide variant.
Coding change: c.76C>T on transcript NM_020433.5 (MANE Select); coding-DNA position 76, C replaced by T.
Protein change: p.His26Tyr; replaces histidine 26 with tyrosine.
Molecular consequence: missense variant.
Genome position (GRCh38, 1-based): chr20:44,186,630, G>A on the plus strand (C>T on the coding strand, the complement: JPH2 is on the minus strand). VCF-style: chr20-44186630-G-A. GRCh37 (hg19) VCF-style: chr20-42815270-G-A.
Other names: c.76C>T, p.His26Tyr (NM_175913.4); short protein forms H26Y.
Identifiers: ClinVar variation 3227391 (VCV003227391.3), dbSNP rs1223183088, ClinGen allele CA409095583.

ClinVar aggregate classification (germline): Uncertain significance. Review status: criteria provided, multiple submitters, no conflicts (2 of 4 stars). 2 submissions from 2 submitters: Uncertain significance (2). Last evaluated 2024-06-11.

Conditions:
Hypertrophic cardiomyopathy. Also called: HYPERTROPHIC MYOCARDIOPATHY. Identifiers: Orphanet 217569, MedGen C0007194, MeSH D002312, MONDO:0005045, HP:0001639.
Cardiovascular phenotype. Identifiers: MedGen CN230736.

Allele frequency attached by ClinVar (database versions not stated): TOPMed below 0.00001.

Submissions (2):

Labcorp Genetics (formerly Invitae), Labcorp
Classification: Uncertain significance for Hypertrophic cardiomyopathy. Last evaluated: 2024-06-11. Review status: criteria provided, single submitter. Criteria: Invitae Variant Classification Sherloc (09022015). Collection method: clinical testing. Allele origin: germline.
Comment: This sequence change replaces histidine, which is basic and polar, with tyrosine, which is neutral and polar, at codon 26 of the JPH2 protein (p.His26Tyr). This variant is present in population databases (no rsID available, gnomAD 0.007%). This variant has not been reported in the literature in individuals affected with JPH2-related conditions. An algorithm developed to predict the effect of missense changes on protein structure and function (PolyPhen-2) suggests that this variant is likely to be disruptive. In summary, the available evidence is currently insufficient to determine the role of this variant in disease. Therefore, it has been classified as a Variant of Uncertain Significance.

Ambry Genetics
Classification: Uncertain significance for Cardiovascular phenotype. Last evaluated: 2023-11-08. Review status: criteria provided, single submitter. Criteria: Ambry Variant Classification Scheme 2023. Collection method: clinical testing. Allele origin: germline.
Comment: The p.H26Y variant (also known as c.76C>T), located in coding exon 1 of the JPH2 gene, results from a C to T substitution at nucleotide position 76. The histidine at codon 26 is replaced by tyrosine, an amino acid with similar properties. This amino acid position is conserved. In addition, the in silico prediction for this alteration is inconclusive. Since supporting evidence is limited at this time, the clinical significance of this alteration remains unclear.